The following is an entry in ClinVar:

NC_000002.12:g.(?_232333830)_(232336630_?)dup

Gene: DIS3L2 (DIS3 like 3'-5' exoribonuclease 2; plus strand). Cytogenetic location: 2q37.1.
Variant type: Duplication.
Identifiers: ClinVar variation 831518 (VCV000831518.2).

ClinVar aggregate classification (germline): Uncertain significance (1 of 4 stars; one submission).

Conditions:
Perlman syndrome (PRLMNS). Identifiers: Orphanet 2849, MedGen C0796113, MONDO:0009965, OMIM 267000.

Submission:

Labcorp Genetics (formerly Invitae), Labcorp
Classification: Uncertain significance for Renal hamartomas nephroblastomatosis and fetal gigantism. Last evaluated: 2019-12-24. Review status: criteria provided, single submitter. Criteria: Invitae Variant Classification Sherloc (09022015). Collection method: clinical testing. Allele origin: germline.
Comment: This variant is a gross duplication of the genomic region encompassing exons 17-21 of the DIS3L2 gene. The 5' boundary is likely confined to intron 16. The 3' end of this event is unknown as it extends beyond the assayed region for this gene and therefore may encompass additional genes. The exact location of this variant in the genome is unknown. This variant has not been reported in the literature in individuals with DIS3L2-related disease. Experimental studies and prediction algorithms are not available for this variant, and the functional significance of the duplicated amino acids is currently unknown. In summary, the available evidence is currently insufficient to determine the role of this variant in disease. Therefore, it has been classified as a Variant of Uncertain Significance.